The following is an entry in ClinVar:

ClinVar aggregate classification (germline): Uncertain significance (1 of 4 stars; one submission).

Conditions:
Inborn genetic diseases. Identifiers: MedGen C0950123, MeSH D030342.

gnomAD v4.1: 1 of 1,613,768 alleles (0.000062%); highest among the groups gnomAD compares: Non-Finnish European, 0.000085%; no homozygotes.

Submission:

Ambry Genetics
Classification: Uncertain significance for Inborn genetic diseases. Last evaluated: 2025-03-28. Review status: criteria provided, single submitter. Criteria: Ambry Variant Classification Scheme 2023. Collection method: clinical testing. Allele origin: germline.
Comment: The p.E591A variant (also known as c.1772A>C), located in coding exon 1 of the SAMD9 gene, results from an A to C substitution at nucleotide position 1772. The glutamic acid at codon 591 is replaced by alanine, an amino acid with dissimilar properties. This amino acid position is conserved. In addition, this alteration is predicted to be tolerated by in silico analysis. Based on the available evidence, the clinical significance of this variant remains unclear.

NM_017654.4(SAMD9):c.1772A>C (p.Glu591Ala)

Gene: SAMD9 (sterile alpha motif domain containing 9; minus strand). Cytogenetic location: 7q21.2.
Variant type: single nucleotide variant.
Coding change: c.1772A>C on transcript NM_017654.4 (MANE Select); coding-DNA position 1772, A replaced by C.
Protein change: p.Glu591Ala; replaces glutamic acid 591 with alanine.
Molecular consequence: missense variant.
Genome position (GRCh38, 1-based): chr7:93,104,326, T>G on the plus strand (A>C on the coding strand, the complement: SAMD9 is on the minus strand). VCF-style: chr7-93104326-T-G. GRCh37 (hg19) VCF-style: chr7-92733639-T-G.
Other names: c.1772A>C, p.Glu591Ala (NM_001193307.2); short protein forms E591A.
Identifiers: ClinVar variation 3949484 (VCV003949484.1).